The following is an entry in ClinVar:

NM_001142800.2(EYS):c.1418G>T (p.Gly473Val)

Gene: EYS (EGF-like photoreceptor maintenance factor; minus strand). Cytogenetic location: 6q12.
Variant type: single nucleotide variant.
Coding change: c.1418G>T on transcript NM_001142800.2 (MANE Select); coding-DNA position 1418, G replaced by T.
Protein change: p.Gly473Val; replaces glycine 473 with valine.
Molecular consequence: missense variant.
Genome position (GRCh38, 1-based): chr6:65,353,499, C>A on the plus strand (G>T on the coding strand, the complement: EYS is on the minus strand). VCF-style: chr6-65353499-C-A. GRCh37 (hg19) VCF-style: chr6-66063392-C-A.
Other names: c.1418G>T, p.Gly473Val (NM_001142801.2, NM_001292009.2, NM_198283.2); short protein forms G473V.
Identifiers: ClinVar variation 956099 (VCV000956099.6), dbSNP rs540611114, ClinGen allele CA3877761.

ClinVar aggregate classification (germline): Uncertain significance. Review status: criteria provided, multiple submitters, no conflicts (2 of 4 stars). 4 submissions from 4 submitters: Uncertain significance (3). 1 of the submissions does not count toward it. Last evaluated 2023-04-27.

Conditions:
Retinitis pigmentosa 25 (RP25). Identifiers: Orphanet 791, MedGen C1864446, MONDO:0011272, OMIM 602772.

Allele frequency attached by ClinVar (database versions not stated): 1000 Genomes Project 30x 0.00016; 1000 Genomes Project 0.00020.
gnomAD v4.1: 27 of 1,613,126 alleles (0.0017%); highest among the groups gnomAD compares: South Asian, 0.029%; no homozygotes.

Submissions (4):

Women's Health and Genetics/Laboratory Corporation of America, LabCorp
Classification: Uncertain significance. Last evaluated: 2023-04-27. Review status: criteria provided, single submitter. Criteria: LabCorp Variant Classification Summary - May 2015. Collection method: clinical testing. Allele origin: germline.
Comment: Variant summary: EYS c.1418G>T (p.Gly473Val) results in a non-conservative amino acid change in the encoded protein sequence. Four of five in-silico tools predict a benign effect of the variant on protein function. The variant allele was found at a frequency of 2e-05 in 250788 control chromosomes. The available data on variant occurrences in the general population are insufficient to allow any conclusion about variant significance. c.1418G>T has been reported in the literature as a compound heterozygous genotype and as a non-informative (second allele not specified) genotype in at-least two individuals affected with Retinitis Pigmentosa (example, Di_2016, Gao_2019). To our knowledge, no experimental evidence demonstrating an impact on protein function has been reported. The following publications have been ascertained in the context of this evaluation (PMID: 31054281, 26787102). Two (other) submitters have provided clinical-significance assessments for this variant to ClinVar after 2014, and classified the variant as uncertain significance. Based on the evidence outlined above, the variant was classified as uncertain significance.

Blueprint Genetics
Classification: Uncertain significance. Last evaluated: 2022-02-18. Review status: criteria provided, single submitter. Criteria: ACMG Guidelines, 2015. Collection method: clinical testing. Allele origin: germline.

Labcorp Genetics (formerly Invitae), Labcorp
Classification: Uncertain significance. Last evaluated: 2021-08-31. Review status: criteria provided, single submitter. Criteria: Invitae Variant Classification Sherloc (09022015). Collection method: clinical testing. Allele origin: germline.
Comment: This sequence change replaces glycine with valine at codon 473 of the EYS protein (p.Gly473Val). The glycine residue is weakly conserved and there is a moderate physicochemical difference between glycine and valine. This variant is present in population databases (rs540611114, ExAC 0.01%). This missense change has been observed in individual(s) with inherited retinal disease (PMID: 26787102, 31054281). Algorithms developed to predict the effect of missense changes on protein structure and function output the following: SIFT: "Tolerated"; PolyPhen-2: "Benign"; Align-GVGD: "Class C0". The valine amino acid residue is found in multiple mammalian species, which suggests that this missense change does not adversely affect protein function. In summary, the available evidence is currently insufficient to determine the role of this variant in disease. Therefore, it has been classified as a Variant of Uncertain Significance.

Natera, Inc.
Classification: Uncertain significance for Retinitis pigmentosa type 25. Last evaluated: 2020-12-17. Review status: no assertion criteria provided. Collection method: clinical testing. Allele origin: germline. Not counted in ClinVar's aggregate classification.

Literature cited by the submitters: PubMed 31054281 (cited by Women's Health and Genetics/Laboratory Corporation of America, LabCorp and Labcorp Genetics (formerly Invitae), Labcorp); PubMed 26787102 (cited by Women's Health and Genetics/Laboratory Corporation of America, LabCorp and Labcorp Genetics (formerly Invitae), Labcorp).